The following is an entry in ClinVar:

NM_001080414.4(CCDC88C):c.3754C>T (p.Gln1252Ter)

Gene: CCDC88C (coiled-coil and HOOK domain protein 88C; minus strand). Cytogenetic location: 14q32.11.
Variant type: single nucleotide variant.
Coding change: c.3754C>T on transcript NM_001080414.4 (MANE Select); coding-DNA position 3754, C replaced by T.
Protein change: p.Gln1252Ter; replaces glutamine 1252 with a stop codon.
Molecular consequence: nonsense.
Genome position (GRCh38, 1-based): chr14:91,299,952, G>A on the plus strand (C>T on the coding strand, the complement: CCDC88C is on the minus strand). VCF-style: chr14-91299952-G-A. GRCh37 (hg19) VCF-style: chr14-91766296-G-A.
Other names: short protein forms Q1252*.
Identifiers: ClinVar variation 2881999 (VCV002881999.4), dbSNP rs764782020, ClinGen allele CA7309225.

ClinVar aggregate classification (germline): Pathogenic. Review status: criteria provided, multiple submitters, no conflicts (2 of 4 stars). 2 submissions from 2 submitters: Pathogenic (2). Last evaluated 2025-10-13.

Conditions:
Hydrocephalus, nonsyndromic, autosomal recessive 1 (HYC1). Also called: Congenital hydrocephalus 1; Hydrocephalus, nonsyndromic, autosomal recessive. Identifiers: Orphanet 2185, MedGen C3887608, MONDO:0009360, OMIM 236600.

Allele frequency attached by ClinVar (database versions not stated): ExAC 0.00002.
gnomAD v4.1: 1 of 1,591,550 alleles (0.000063%); no homozygotes.

Submissions (2):

Myriad Genetics, Inc.
Classification: Pathogenic for Hydrocephalus, nonsyndromic, autosomal recessive 1. Last evaluated: 2025-10-13. Review status: criteria provided, single submitter. Criteria: Myriad Autosomal Dominant, Autosomal Recessive and X-Linked Classification Criteria (2023). Collection method: clinical testing. Allele origin: unknown.
Comment: NM_001080414.3(CCDC88C):c.3754C>T(Q1252*) is expected to be pathogenic in the context of congenital hydrocephalus, CCDC88C-related. This variant is predicted to lead to an abnormal or absent protein product due to the creation of a premature termination codon in CCDC88C, a gene where loss-of-function variants are known to be pathogenic. Please note: this variant was assessed in the context of healthy population screening.

Labcorp Genetics (formerly Invitae), Labcorp
Classification: Pathogenic. Last evaluated: 2023-07-07. Review status: criteria provided, single submitter. Criteria: Invitae Variant Classification Sherloc (09022015). Collection method: clinical testing. Allele origin: germline.
Comment: This sequence change creates a premature translational stop signal (p.Gln1252*) in the CCDC88C gene. It is expected to result in an absent or disrupted protein product. Loss-of-function variants in CCDC88C are known to be pathogenic (PMID: 23042809, 29225145). The frequency data for this variant in the population databases is considered unreliable, as metrics indicate poor data quality at this position in the gnomAD database. This variant has not been reported in the literature in individuals affected with CCDC88C-related conditions. For these reasons, this variant has been classified as Pathogenic.

Literature cited by the submitters: PubMed 23042809 (cited by Labcorp Genetics (formerly Invitae), Labcorp); PubMed 29225145 (cited by Labcorp Genetics (formerly Invitae), Labcorp).